The following is an entry in ClinVar:

ClinVar aggregate classification (germline): Likely benign (1 of 4 stars; one submission).

Conditions:
Marfan syndrome (MFS). Also called: MARFAN SYNDROME, TYPE I; Marfan syndrome type 1; Marfan's syndrome; FBN1-Related Marfan Syndrome; Marfan syndrome, classic. Identifiers: Orphanet 284963, Orphanet 558, MedGen C0024796, MONDO:0007947, OMIM 154700.

gnomAD v4.1: 3 of 1,614,070 alleles (0.00019%); highest among the groups gnomAD compares: Non-Finnish European, 0.00025%; no homozygotes.

Submission:

All of Us Research Program, National Institutes of Health
Classification: Likely benign for Marfan syndrome. Last evaluated: 2024-05-14. Review status: criteria provided, single submitter. Criteria: ACMG Guidelines, 2015. Collection method: clinical testing. Allele origin: germline. Inheritance: Autosomal dominant inheritance. Observed: 1 variant allele, 1 heterozygote.
Comment: This study involves interpretation of variants in research participants for the purpose of population health screening. Participant phenotype was not available at the time of variant classification. Additional details can be found in publication PMID: 35346344, PMCID: PMC8962531

NM_000138.5(FBN1):c.4434G>A (p.Leu1478=)

Gene: FBN1 (fibrillin 1; minus strand). Cytogenetic location: 15q21.1.
Variant type: single nucleotide variant.
Coding change: c.4434G>A on transcript NM_000138.5 (MANE Select); coding-DNA position 4434, G replaced by A.
Protein change: p.Leu1478=; no amino-acid change (leucine 1478 retained).
Molecular consequence: synonymous variant.
Genome position (GRCh38, 1-based): chr15:48,470,659, C>T on the plus strand (G>A on the coding strand, the complement: FBN1 is on the minus strand). VCF-style: chr15-48470659-C-T. GRCh37 (hg19) VCF-style: chr15-48762856-C-T.
Other names: c.4434G>A, p.Leu1478= (NM_001406716.1).
Identifiers: ClinVar variation 3386796 (VCV003386796.1).